The following is an entry in ClinVar:

ClinVar aggregate classification (germline): Benign. Review status: criteria provided, single submitter (1 of 4 stars). 2 submissions from 2 submitters: Benign (1). 1 of the submissions does not count toward it. Last evaluated 2018-07-31.

Conditions:
ATP2A3-related disorder. Also called: ATP2A3-related condition.

Allele frequency attached by ClinVar (database versions not stated): gnomAD exomes 0.00039 and 0.00100; ExAC 0.00123; gnomAD 0.00381 and 0.00402; TOPMed 0.00402; ESP Exome Variant Server 0.00446; 1000 Genomes Project 0.00479; 1000 Genomes Project 30x 0.00562.
gnomAD v4.1: 1,179 of 1,613,730 alleles (0.073%); highest among the groups gnomAD compares: African/African-American, 1.4%; 8 homozygotes.

Submissions (2):

Labcorp Genetics (formerly Invitae), Labcorp
Classification: Benign. Last evaluated: 2018-07-31. Review status: criteria provided, single submitter. Criteria: Invitae Variant Classification Sherloc (09022015). Collection method: clinical testing. Allele origin: germline.

PreventionGenetics, part of Exact Sciences
Classification: Benign for ATP2A3-related condition. Last evaluated: 2019-05-03. Review status: no assertion criteria provided. Collection method: clinical testing. Allele origin: germline. Not counted in ClinVar's aggregate classification.
Comment: This variant is classified as benign based on ACMG/AMP sequence variant interpretation guidelines (Richards et al. 2015 PMID: 25741868, with internal and published modifications).

NM_005173.4(ATP2A3):c.2980+691C>T

Genes: ATP2A3 (ATPase sarcoplasmic/endoplasmic reticulum Ca2+ transporting 3; minus strand), LOC126862465 (BRD4-independent group 4 enhancer GRCh37_chr17:3831158-3832357; plus strand). Cytogenetic location: 17p13.2.
Variant type: single nucleotide variant.
Coding change: c.2980+691C>T on transcript NM_005173.4 (MANE Select); 691 bases into the intron after coding-DNA position 2980, C replaced by T.
Molecular consequence: intron variant.
Genome position (GRCh38, 1-based): chr17:3,927,972, G>A on the plus strand (C>T on the coding strand, the complement: ATP2A3 is on the minus strand). VCF-style: chr17-3927972-G-A. GRCh37 (hg19) VCF-style: chr17-3831266-G-A.
Other names: c.2980+691C>T (NM_174957.3); c.3068+268C>T (NM_174955.3); c.3126+9C>T (NM_174954.3); c.3081+255C>T (NM_174958.3, NM_174956.3); c.3139+9C>T (NM_174953.3).
Identifiers: ClinVar variation 783748 (VCV000783748.5), dbSNP rs149150387, ClinGen allele CA8296621.